The following is an entry in ClinVar:

ClinVar aggregate classification (germline): Uncertain significance (1 of 4 stars; one submission).

Conditions:
Familial cold autoinflammatory syndrome 2 (FCAS2). Identifiers: Orphanet 247868, MedGen C2673198, MONDO:0012724, OMIM 611762.

Allele frequency attached by ClinVar (database versions not stated): gnomAD exomes 0.00001 and 0.00006; gnomAD 0.00002; TOPMed 0.00005; ExAC 0.00006.

Submission:

Labcorp Genetics (formerly Invitae), Labcorp
Classification: Uncertain significance for Familial cold autoinflammatory syndrome 2. Last evaluated: 2025-12-15. Review status: criteria provided, single submitter. Criteria: Invitae Variant Classification Sherloc (09022015). Collection method: clinical testing. Allele origin: germline.
Comment: This sequence change replaces methionine, which is neutral and non-polar, with valine, which is neutral and non-polar, at codon 1037 of the NLRP12 protein (p.Met1037Val). This variant is present in population databases (rs754830337, gnomAD 0.03%). This variant has not been reported in the literature in individuals affected with NLRP12-related conditions. ClinVar contains an entry for this variant (Variation ID: 566252). An algorithm developed to predict the effect of missense changes on protein structure and function (PolyPhen-2) suggests that this variant is likely to be tolerated. In summary, the available evidence is currently insufficient to determine the role of this variant in disease. Therefore, it has been classified as a Variant of Uncertain Significance.

NM_144687.4(NLRP12):c.3109A>G (p.Met1037Val)

Gene: NLRP12 (NLR family pyrin domain containing 12; minus strand). Cytogenetic location: 19q13.42.
Variant type: single nucleotide variant.
Coding change: c.3109A>G on transcript NM_144687.4 (MANE Select); coding-DNA position 3109, A replaced by G.
Protein change: p.Met1037Val; replaces methionine 1037 with valine.
Molecular consequence: missense variant.
Genome position (GRCh38, 1-based): chr19:53,794,126, T>C on the plus strand (A>G on the coding strand, the complement: NLRP12 is on the minus strand). VCF-style: chr19-53794126-T-C. GRCh37 (hg19) VCF-style: chr19-54297380-T-C.
Other names: c.3112A>G, p.Met1038Val (NM_001277126.2); c.2938A>G, p.Met980Val (NM_001277129.1); short protein forms M1037V, M1038V, M980V.
Identifiers: ClinVar variation 566252 (VCV000566252.8), dbSNP rs754830337, ClinGen allele CA9638756.
Genomic context (GRCh38, chr19:53,794,126, plus strand): 5'-AATAAGGTTTTGTTACTCGAAGCGCTGCCAACCTACTGTGGGTCATTTTATTCAGGTCCA[T>C]CCCAAATAACCTGTGGACACAAGAGTTGATATTATTCCAGTGTACTACTGTGGCATTCAA-3'
Protein context (NP_653288.1, residues 1027-1047): CKLRVLWLFG[Met1037Val]DLNKMTHSRL